The following is an entry in ClinVar:

NM_031844.3(HNRNPU):c.1199_1200del (p.Lys399_Phe400insTer)

Gene: HNRNPU (heterogeneous nuclear ribonucleoprotein U; minus strand). Cytogenetic location: 1q44.
Variant type: Deletion.
Coding change: c.1199_1200del on transcript NM_031844.3 (MANE Select); coding-DNA positions 1199 to 1200, 2 bases deleted (TT; older notation c.1199_1200delTT).
Protein change: p.Lys399_Phe400insTer.
Molecular consequence: nonsense.
Genome position (GRCh38, 1-based): chr1:244,858,759-244,858,760, AA deleted on the plus strand (TT on the coding strand, the reverse complement: HNRNPU is on the minus strand); deleting any 2 consecutive bases within chr1:244,858,759-244,858,761 gives the same sequence; the c. name uses the placement nearest the transcript's 3' end. VCF-style (leftmost placement, unchanged base first): chr1-244858758-CAA-C. GRCh37 (hg19) VCF-style: chr1-245022060-CAA-C.
Other names: c.1142_1143del, p.Lys380_Phe381insTer (NM_004501.3).
Identifiers: ClinVar variation 4772423 (VCV004772423.1).

ClinVar aggregate classification (germline): Pathogenic (1 of 4 stars; one submission).

Conditions:
Developmental and epileptic encephalopathy, 54. Also called: Epileptic encephalopathy, early infantile, 54; HNRNPU-Related Neurodevelopmental Disorder. Identifiers: MedGen C4479319, MONDO:0033363, OMIM 617391.

Submission:

Labcorp Genetics (formerly Invitae), Labcorp
Classification: Pathogenic for Developmental and epileptic encephalopathy, 54. Last evaluated: 2025-08-08. Review status: criteria provided, single submitter. Criteria: Invitae Variant Classification Sherloc (09022015). Collection method: clinical testing. Allele origin: germline.
Comment: This sequence change creates a premature translational stop signal (p.Phe400*) in the HNRNPU gene. It is expected to result in an absent or disrupted protein product. Loss-of-function variants in HNRNPU are known to be pathogenic (PMID: 22678713, 28283832). This variant is not present in population databases (gnomAD no frequency). This variant has not been reported in the literature in individuals affected with HNRNPU-related conditions. Algorithms developed to predict the effect of sequence changes on RNA splicing suggest that this variant may disrupt the consensus splice site. For these reasons, this variant has been classified as Pathogenic.

Literature cited by the submitters: PubMed 22678713; PubMed 28283832.